The following is an entry in ClinVar:

NC_000015.9:g.(?_91312656)_(91316451_?)del

Gene: BLM (BLM RecQ like helicase; plus strand). Cytogenetic location: 15q26.1.
Variant type: Deletion.
Identifiers: ClinVar variation 3243683 (VCV003243683.1).

ClinVar aggregate classification (germline): Pathogenic (1 of 4 stars; one submission).

Conditions:
Bloom syndrome (BLM). Also called: Bloom-Torre-Machacek syndrome. Identifiers: Orphanet 125, MedGen C0005859, MONDO:0008876, OMIM 210900.

Submission:

Labcorp Genetics (formerly Invitae), Labcorp
Classification: Pathogenic for Bloom syndrome. Last evaluated: 2023-05-06. Review status: criteria provided, single submitter. Criteria: Invitae Variant Classification Sherloc (09022015). Collection method: clinical testing. Allele origin: unknown.
Comment: For these reasons, this variant has been classified as Pathogenic. This variant has not been reported in the literature in individuals affected with BLM-related conditions. This variant is a gross deletion of the genomic region encompassing exon(s) 12 of the BLM gene. This deletion is out-of-frame, and is expected to create a premature termination codon and result in an absent or disrupted protein product. Loss-of-function variants in BLM are known to be pathogenic (PMID: 17407155).

Literature cited by the submitters: PubMed 17407155.